The following is an entry in ClinVar:

ClinVar aggregate classification (germline): Uncertain significance. Review status: criteria provided, multiple submitters, no conflicts (2 of 4 stars). 5 submissions from 5 submitters: Uncertain significance (3). 2 of the submissions do not count toward it. Last evaluated 2025-07-07.

Conditions:
Dilated cardiomyopathy 1G (CMD1G). Identifiers: Orphanet 154, MedGen C1858763, MONDO:0011400, OMIM 604145.
Autosomal recessive limb-girdle muscular dystrophy type 2J (LGMDR10). Also called: Limb-girdle muscular dystrophy, type 2J; MUSCULAR DYSTROPHY, LIMB-GIRDLE, AUTOSOMAL RECESSIVE 10. Identifiers: Orphanet 140922, MedGen C1837342, MONDO:0012127, OMIM 608807.

Allele frequency attached by ClinVar (database versions not stated): gnomAD exomes below 0.00001 and 0.00001; gnomAD 0.00001; TOPMed 0.00001.
gnomAD v4.1: 21 of 1,613,748 alleles (0.0013%); highest among the groups gnomAD compares: Non-Finnish European, 0.0017%; no homozygotes.

Submissions (5):

Labcorp Genetics (formerly Invitae), Labcorp
Classification: Uncertain significance for Dilated cardiomyopathy 1G; Autosomal recessive limb-girdle muscular dystrophy type 2J. Last evaluated: 2025-07-07. Review status: criteria provided, single submitter. Criteria: Invitae Variant Classification Sherloc (09022015). Collection method: clinical testing. Allele origin: germline.
Comment: This sequence change replaces methionine, which is neutral and non-polar, with threonine, which is neutral and polar, at codon 34673 of the TTN protein (p.Met34673Thr). This variant is present in population databases (no rsID available, gnomAD 0.002%). This missense change has been observed in individual(s) with clinical features of TTN-related conditions (PMID: 21520333, 30847666). This variant is also known as c.96314T>C (p.Met32105Thr). ClinVar contains an entry for this variant (Variation ID: 282160). Experimental studies and prediction algorithms are not available or were not evaluated, and the functional significance of this variant is currently unknown. This variant is located in the M band of TTN (PMID: 25589632). Non-truncating variants in this region may be relevant for neuromuscular disorders, but have not been definitively shown to cause cardiomyopathy (PMID: 23975875). In summary, the available evidence is currently insufficient to determine the role of this variant in disease. Therefore, it has been classified as a Variant of Uncertain Significance.

Revvity Omics, Revvity
Classification: Uncertain significance. Last evaluated: 2019-04-03. Review status: criteria provided, single submitter. Criteria: ACMG Guidelines, 2015. Collection method: clinical testing. Allele origin: germline.

Eurofins Ntd Llc (ga)
Classification: Uncertain significance. Last evaluated: 2015-07-31. Review status: criteria provided, single submitter. Criteria: EGL Classification Definitions 2015. Collection method: clinical testing. Allele origin: germline. Observed: 1 variant allele, 1 heterozygote.

Clinical Genetics, Academic Medical Center
Classification: Uncertain significance. Review status: no assertion criteria provided. Collection method: clinical testing. Allele origin: germline. Affected: yes. Study: VKGL Data-share Consensus. Not counted in ClinVar's aggregate classification.

Genome Diagnostics Laboratory, Amsterdam University Medical Center
Classification: Uncertain significance. Review status: no assertion criteria provided. Collection method: clinical testing. Allele origin: germline. Affected: yes. Study: VKGL Data-share Consensus. Not counted in ClinVar's aggregate classification.

Literature cited by the submitters: PubMed 21520333 (cited by Labcorp Genetics (formerly Invitae), Labcorp); PubMed 30847666 (cited by Labcorp Genetics (formerly Invitae), Labcorp); PubMed 25589632 (cited by Labcorp Genetics (formerly Invitae), Labcorp); PubMed 23975875 (cited by Labcorp Genetics (formerly Invitae), Labcorp).

NM_001267550.2(TTN):c.104018T>C (p.Met34673Thr)

Genes: TTN (titin; minus strand), TTN-AS1 (TTN antisense RNA 1; plus strand). Cytogenetic location: 2q31.2.
Variant type: single nucleotide variant.
Coding change: c.104018T>C on transcript NM_001267550.2 (MANE Select); coding-DNA position 104018, T replaced by C.
Protein change: p.Met34673Thr; replaces methionine 34673 with threonine.
Molecular consequence: missense variant.
Genome position (GRCh38, 1-based): chr2:178,532,597, A>G on the plus strand (T>C on the coding strand, the complement: TTN is on the minus strand). VCF-style: chr2-178532597-A-G. GRCh37 (hg19) VCF-style: chr2-179397324-A-G.
Other names: c.99095T>C, p.Met33032Thr (NM_001256850.1); c.76823T>C, p.Met25608Thr (NM_003319.4); c.96314T>C, p.Met32105Thr (NM_133378.4); c.77198T>C, p.Met25733Thr (NM_133432.3); c.77399T>C, p.Met25800Thr (NM_133437.4); short protein forms M32105T, M33032T, M34673T, M25733T, M25608T, M25800T.
Identifiers: ClinVar variation 282160 (VCV000282160.17), dbSNP rs886042330, ClinGen allele CA10604089.